The following is an entry in ClinVar:

NM_003737.4(DCHS1):c.1772C>T (p.Thr591Ile)

Gene: DCHS1 (dachsous cadherin-related 1; minus strand). Cytogenetic location: 11p15.4.
Variant type: single nucleotide variant.
Coding change: c.1772C>T on transcript NM_003737.4 (MANE Select); coding-DNA position 1772, C replaced by T.
Protein change: p.Thr591Ile; replaces threonine 591 with isoleucine.
Molecular consequence: missense variant.
Genome position (GRCh38, 1-based): chr11:6,639,842, G>A on the plus strand (C>T on the coding strand, the complement: DCHS1 is on the minus strand). VCF-style: chr11-6639842-G-A. GRCh37 (hg19) VCF-style: chr11-6661073-G-A.
Other names: short protein forms T591I.
Identifiers: ClinVar variation 3685656 (VCV003685656.2).
Genomic context (GRCh38, chr11:6,639,842, plus strand): 5'-CCAACACTATCTTGCTATGTGCCAGGCCTACCCACCTGCAGGAAGCAAGTTCCAGGCTGG[G>A]TGCCCTCAGGCAGTGAGGCATTGTAGAAAGTCCTCTGGAATTGGGGCTCATTATCATTCA-3'
Protein context (NP_003728.1, residues 581-601): TFYNASLPEG[Thr591Ile]QPGTCFLQVT

ClinVar aggregate classification (germline): Uncertain significance (1 of 4 stars; one submission).

gnomAD v4.1: 4 of 1,603,388 alleles (0.00025%); highest among the groups gnomAD compares: Non-Finnish European, 0.00034%; no homozygotes.

Submission:

Labcorp Genetics (formerly Invitae), Labcorp
Classification: Uncertain significance. Last evaluated: 2025-02-10. Review status: criteria provided, single submitter. Criteria: Invitae Variant Classification Sherloc (09022015). Collection method: clinical testing. Allele origin: germline.
Comment: This sequence change replaces threonine, which is neutral and polar, with isoleucine, which is neutral and non-polar, at codon 591 of the DCHS1 protein (p.Thr591Ile). This variant is present in population databases (no rsID available, gnomAD 0.007%). This variant has not been reported in the literature in individuals affected with DCHS1-related conditions. Invitae Evidence Modeling of protein sequence and biophysical properties (such as structural, functional, and spatial information, amino acid conservation, physicochemical variation, residue mobility, and thermodynamic stability) indicates that this missense variant is not expected to disrupt DCHS1 protein function with a negative predictive value of 80%. In summary, the available evidence is currently insufficient to determine the role of this variant in disease. Therefore, it has been classified as a Variant of Uncertain Significance.